The following is an entry in ClinVar:

NM_001999.4(FBN2):c.2926G>A (p.Gly976Arg)

Gene: FBN2 (fibrillin 2; minus strand). Cytogenetic location: 5q23.3.
Variant type: single nucleotide variant.
Coding change: c.2926G>A on transcript NM_001999.4 (MANE Select); coding-DNA position 2926, G replaced by A.
Protein change: p.Gly976Arg; replaces glycine 976 with arginine.
Molecular consequence: missense variant.
Genome position (GRCh38, 1-based): chr5:128,349,410, C>T on the plus strand (G>A on the coding strand, the complement: FBN2 is on the minus strand). VCF-style: chr5-128349410-C-T. GRCh37 (hg19) VCF-style: chr5-127685102-C-T.
Other names: short protein forms G976R.
Identifiers: ClinVar variation 939823 (VCV000939823.10), dbSNP rs1751283602, ClinGen allele CA360765355.

ClinVar aggregate classification (germline): Uncertain significance (1 of 4 stars; one submission).

Conditions:
Congenital contractural arachnodactyly (CCA). Also called: Beals-Hecht syndrome; BEALS SYNDROME; Arthrogryposis, distal, type 9. Identifiers: Orphanet 115, MedGen C0220668, MONDO:0007363, OMIM 121050.

Submission:

Labcorp Genetics (formerly Invitae), Labcorp
Classification: Uncertain significance for Congenital contractural arachnodactyly. Last evaluated: 2019-07-12. Review status: criteria provided, single submitter. Criteria: Invitae Variant Classification Sherloc (09022015). Collection method: clinical testing. Allele origin: germline.
Comment: This sequence change replaces glycine with arginine at codon 976 of the FBN2 protein (p.Gly976Arg). The glycine residue is moderately conserved and there is a moderate physicochemical difference between glycine and arginine. This variant is not present in population databases (ExAC no frequency). This variant has not been reported in the literature in individuals with FBN2-related conditions. Algorithms developed to predict the effect of missense changes on protein structure and function are either unavailable or do not agree on the potential impact of this missense change (SIFT: "Deleterious"; PolyPhen-2: "Probably Damaging"; Align-GVGD: "Class C0"). In summary, the available evidence is currently insufficient to determine the role of this variant in disease. Therefore, it has been classified as a Variant of Uncertain Significance.